The following is an entry in ClinVar:

NM_001384140.1(PCDH15):c.477C>T (p.Leu159=)

Gene: PCDH15 (protocadherin related 15; minus strand). Cytogenetic location: 10q21.1.
Variant type: single nucleotide variant.
Coding change: c.477C>T on transcript NM_001384140.1 (MANE Select); coding-DNA position 477, C replaced by T.
Protein change: p.Leu159=; no amino-acid change (leucine 159 retained).
Molecular consequence: synonymous variant.
Genome position (GRCh38, 1-based): chr10:54,346,482, G>A on the plus strand (C>T on the coding strand, the complement: PCDH15 is on the minus strand). VCF-style: chr10-54346482-G-A. GRCh37 (hg19) VCF-style: chr10-56106242-G-A.
Other names: c.477C>T, p.Leu159= (NM_033056.4, NM_001142764.2, NM_001142765.2 and 8 more transcripts); c.492C>T, p.Leu164= (NM_001142763.2, NM_001142769.4, NM_001142771.2); c.411C>T, p.Leu137= (NM_001142768.2, NM_001142773.2, NM_001354404.2); c.477C>T (NM_033056.3).
Identifiers: ClinVar variation 1135737 (VCV001135737.11), dbSNP rs748202818, ClinGen allele CA5506671.
Genomic context (GRCh38, chr10:54,346,482, plus strand): 5'-TATATCTGTAGCTCCATTGTCTCCTGAAAATCCTGTGAATATTGTGGTACCAACTGGAGT[G>A]AGCTGAAAGGAAAAAAGATTTTAAATATCAATTTTCATTTTATCAACTGCACACCAGAAA-3'
Protein context (NP_001371069.1, residues 149-169): HESYYATVNE[Leu159=]TPVGTTIFTG

ClinVar aggregate classification (germline): Likely benign. Review status: criteria provided, multiple submitters, no conflicts (2 of 4 stars). 3 submissions from 3 submitters: Likely benign (3). Last evaluated 2025-08-11.

Conditions:
PCDH15-related disorder. Also called: PCDH15-related condition; PCDH15-related disorders.

Allele frequency attached by ClinVar (database versions not stated): gnomAD 0.00003 and 0.00004; TOPMed 0.00003; gnomAD exomes 0.00006 and 0.00008; ExAC 0.00007.
gnomAD v4.1: 113 of 1,613,428 alleles (0.007%); highest among the groups gnomAD compares: Non-Finnish European, 0.0095%; no homozygotes.

Submissions (3):

Labcorp Genetics (formerly Invitae), Labcorp
Classification: Likely benign. Last evaluated: 2025-08-11. Review status: criteria provided, single submitter. Criteria: Invitae Variant Classification Sherloc (09022015). Collection method: clinical testing. Allele origin: germline.

PreventionGenetics, part of Exact Sciences
Classification: Likely benign for PCDH15-related condition. Last evaluated: 2025-07-10. Review status: criteria provided, single submitter. Criteria: ACMG Guidelines, 2015. Collection method: clinical testing. Allele origin: germline.
Comment: This variant is classified as likely benign based on ACMG/AMP sequence variant interpretation guidelines (Richards et al. 2015 PMID: 25741868, with internal and published modifications).

Blueprint Genetics
Classification: Likely benign. Last evaluated: 2024-11-11. Review status: criteria provided, single submitter. Criteria: ACMG Guidelines, 2015. Collection method: clinical testing. Allele origin: germline.